The following is an entry in ClinVar:

ClinVar aggregate classification (germline): Likely pathogenic (1 of 4 stars; one submission).

Conditions:
Primary dilated cardiomyopathy (DCM). Also called: Dilated Cardiomyopathy. Identifiers: Orphanet 217604, MedGen C0007193, MeSH D002311, MONDO:0005021, HP:0001644. Inheritance: Various modes of inheritance.

Submission:

Laboratory for Molecular Medicine, Mass General Brigham Personalized Medicine
Classification: Likely pathogenic for Primary dilated cardiomyopathy. Last evaluated: 2014-02-27. Review status: criteria provided, single submitter. Criteria: LMM Criteria. Collection method: clinical testing. Allele origin: germline. Inheritance: X-linked inheritance. Observed: 3 variant alleles.
Comment: I t was absent from large population studies. This frameshift variant is predicted to alter the protein's amino acid sequence beginning at position 334 and lead t o premature termination codon 12 amino acids downstream. This alteration is then predicted to lead to a truncated or absent protein. Loss of function of the LA MP2 gene is associated with Danon disease. In summary, this variant is likely to be pathogenic, though additional studies are required to fully establish its cl inical significance.

NM_002294.3(LAMP2):c.999del (p.Glu334fs)

Gene: LAMP2 (lysosomal associated membrane protein 2; minus strand). Cytogenetic location: Xq24.
Variant type: Deletion.
Coding change: c.999del on transcript NM_002294.3 (MANE Select); coding-DNA position 999, one base deleted (A; older notation c.999delA).
Protein change: p.Glu334fs; shifts the reading frame from glutamic acid 334.
Molecular consequence: frameshift variant.
Genome position (GRCh38, 1-based): chrX:120,441,824, T deleted on the plus strand (A on the coding strand, the reverse complement: LAMP2 is on the minus strand); the first of 3 consecutive T bases (chrX:120,441,824-120,441,826); deleting any one gives the same sequence. VCF-style (leftmost placement, unchanged base first): chrX-120441823-CT-C. GRCh37 (hg19) VCF-style: chrX-119575678-CT-C.
Other names: c.999delA (NM_002294.2); c.999del, p.Glu334fs (NM_001122606.1, NM_013995.2); short protein forms E334fs.
Identifiers: ClinVar variation 178945 (VCV000178945.4), dbSNP rs727504557, ClinGen allele CA183361.